The following is an entry in ClinVar:

ClinVar aggregate classification (germline): Benign/Likely benign. Review status: criteria provided, multiple submitters, no conflicts (2 of 4 stars). 7 submissions from 7 submitters: Benign (4); Likely benign (3). Last evaluated 2026-01-27.

Conditions:
Hereditary spastic paraplegia. Also called: Familial spastic paraparesis. Identifiers: Orphanet 685, MedGen C0037773, MONDO:0019064. Disease mechanism: loss of function.
Hereditary spastic paraplegia 15 (SPG15). Also called: SPASTIC PARAPLEGIA 15, AUTOSOMAL RECESSIVE; KJELLIN SYNDROME; SPASTIC PARAPLEGIA AND RETINAL DEGENERATION. Identifiers: Orphanet 100996, MedGen C1849128, MONDO:0010044, OMIM 270700.
Spastic paraplegia. Identifiers: MedGen C0037772, HP:0001258.

Allele frequency attached by ClinVar (database versions not stated): gnomAD exomes 0.00042 and 0.00108; ExAC 0.00200; 1000 Genomes Project 0.00280; 1000 Genomes Project 30x 0.00344; ESP Exome Variant Server 0.00384; gnomAD 0.00438 and 0.00471; TOPMed 0.00487.
gnomAD v4.1: 1,297 of 1,610,298 alleles (0.081%); highest among the groups gnomAD compares: African/African-American, 1.5%; 8 homozygotes.

Submissions (7):

Labcorp Genetics (formerly Invitae), Labcorp
Classification: Benign for Spastic paraplegia. Last evaluated: 2026-01-27. Review status: criteria provided, single submitter. Criteria: Invitae Variant Classification Sherloc (09022015). Collection method: clinical testing. Allele origin: germline.

Athena Diagnostics
Classification: Benign. Last evaluated: 2025-03-28. Review status: criteria provided, single submitter. Criteria: Athena Diagnostics Criteria. Collection method: clinical testing. Allele origin: unknown.
Comment: The frequency of this variant in the general population is higher than would generally be expected for pathogenic variants in this gene.

Blueprint Genetics
Classification: Likely benign. Last evaluated: 2024-10-18. Review status: criteria provided, single submitter. Criteria: ACMG Guidelines, 2015. Collection method: clinical testing. Allele origin: germline.

CeGaT Center for Human Genetics Tuebingen
Classification: Benign. Last evaluated: 2023-11-01. Review status: criteria provided, single submitter. Criteria: CeGaT Center For Human Genetics Tuebingen Variant Classification Criteria Version 2. Collection method: clinical testing. Allele origin: germline. Affected: yes. Observed: 1 variant allele.
Comment: ZFYVE26: BP4, BS1, BS2

Genome-Nilou Lab
Classification: Benign for Hereditary spastic paraplegia 15. Last evaluated: 2021-12-05. Review status: criteria provided, single submitter. Criteria: ACMG Guidelines, 2015. Collection method: clinical testing. Allele origin: germline. Affected: no.

GeneDx
Classification: Likely benign. Last evaluated: 2020-03-17. Review status: criteria provided, single submitter. Criteria: GeneDx Variant Classification Process June 2021. Collection method: clinical testing. Allele origin: germline. Affected: yes.

Genome Diagnostics Laboratory, The Hospital for Sick Children
Classification: Likely benign for Hereditary spastic paraplegia. Last evaluated: 2019-06-01. Review status: criteria provided, single submitter. Criteria: ACMG Guidelines, 2015. Collection method: clinical testing. Allele origin: germline. Affected: yes.

NM_015346.4(ZFYVE26):c.6588+7C>T

Gene: ZFYVE26 (zinc finger FYVE-type containing 26; minus strand). Cytogenetic location: 14q24.1.
Variant type: single nucleotide variant.
Coding change: c.6588+7C>T on transcript NM_015346.4 (MANE Select); 7 bases into the intron after coding-DNA position 6588, C replaced by T.
Molecular consequence: intron variant.
Genome position (GRCh38, 1-based): chr14:67,761,359, G>A on the plus strand (C>T on the coding strand, the complement: ZFYVE26 is on the minus strand). VCF-style: chr14-67761359-G-A. GRCh37 (hg19) VCF-style: chr14-68228076-G-A.
Identifiers: ClinVar variation 241055 (VCV000241055.44), dbSNP rs186040735, ClinGen allele CA7239202.